The following is an entry in ClinVar:

NM_024334.3(TMEM43):c.298-5T>A

Gene: TMEM43 (transmembrane protein 43; plus strand). Cytogenetic location: 3p25.1.
Variant type: single nucleotide variant.
Coding change: c.298-5T>A on transcript NM_024334.3 (MANE Select); 5 bases into the intron before coding-DNA position 298, T replaced by A.
Molecular consequence: intron variant.
Genome position (GRCh38, 1-based): chr3:14,131,575, T>A. VCF-style: chr3-14131575-T-A. GRCh37 (hg19) VCF-style: chr3-14173075-T-A.
Identifiers: ClinVar variation 955653 (VCV000955653.13), dbSNP rs1027914711, ClinGen allele CA69729361.

ClinVar aggregate classification (germline): Uncertain significance. Review status: criteria provided, multiple submitters, no conflicts (2 of 4 stars). 4 submissions from 4 submitters: Uncertain significance (4). Last evaluated 2025-11-27.

Conditions:
Arrhythmogenic right ventricular dysplasia 5. Also called: ARRHYTHMOGENIC RIGHT VENTRICULAR DYSPLASIA, FAMILIAL, 5; Arrhythmogenic Right Ventricular Dysplasia/Cardiomyopathy 5. Identifiers: MedGen C1858379, MONDO:0011459, OMIM 604400.
Cardiovascular phenotype. Identifiers: MedGen CN230736.
Cardiomyopathy (CMYO). Also called: Cardiomyopathies. Identifiers: Orphanet 167848, MedGen C0878544, MONDO:0004994, HP:0001638. Inheritance: Various modes of inheritance.

Allele frequency attached by ClinVar (database versions not stated): gnomAD exomes 0.00001; TOPMed 0.00001.
gnomAD v4.1: 22 of 1,613,988 alleles (0.0014%); highest among the groups gnomAD compares: Non-Finnish European, 0.0015%; no homozygotes.

Submissions (4):

Labcorp Genetics (formerly Invitae), Labcorp
Classification: Uncertain significance for Arrhythmogenic right ventricular dysplasia 5. Last evaluated: 2025-11-27. Review status: criteria provided, single submitter. Criteria: Invitae Variant Classification Sherloc (09022015). Collection method: clinical testing. Allele origin: germline.
Comment: This sequence change falls in intron 3 of the TMEM43 gene. It does not directly change the encoded amino acid sequence of the TMEM43 protein. This variant is not present in population databases (gnomAD no frequency). This variant has not been reported in the literature in individuals affected with TMEM43-related conditions. ClinVar contains an entry for this variant (Variation ID: 955653). Algorithms developed to predict the effect of sequence changes on RNA splicing suggest that this variant may disrupt the consensus splice site. In summary, the available evidence is currently insufficient to determine the role of this variant in disease. Therefore, it has been classified as a Variant of Uncertain Significance.

Ambry Genetics
Classification: Uncertain significance for Cardiovascular phenotype. Last evaluated: 2025-08-25. Review status: criteria provided, single submitter. Criteria: Ambry Variant Classification Scheme 2023. Collection method: clinical testing. Allele origin: germline.
Comment: The c.298-5T>A intronic variant results from a T to A substitution 5 nucleotides upstream from coding exon 4 in the TMEM43 gene. This nucleotide position is well conserved in available vertebrate species. In silico splice site analysis predicts that this alteration may weaken the native splice acceptor site and will result in the creation or strengthening of a novel splice acceptor site. Based on the available evidence, the clinical significance of this variant remains unclear.

Color Diagnostics, LLC DBA Color Health
Classification: Uncertain significance for Cardiomyopathy. Last evaluated: 2025-03-17. Review status: criteria provided, single submitter. Criteria: ACMG Guidelines, 2015. Collection method: clinical testing. Allele origin: germline.
Comment: This variant causes a T to A nucleotide substitution at the -5 position of intron 3 of the TMEM43 gene. Splice site prediction tools predict that this variant may have a significant impact on RNA splicing. To our knowledge, RNA studies have not been reported for this variant. This variant has not been reported in individuals affected with TMEM43-related disorders in the literature. This variant has not been identified in the general population by the Genome Aggregation Database (gnomAD). The available evidence is insufficient to determine the role of this variant in disease conclusively. Therefore, this variant is classified as a Variant of Uncertain Significance.

Blueprint Genetics
Classification: Uncertain significance. Last evaluated: 2023-11-28. Review status: criteria provided, single submitter. Criteria: ACMG Guidelines, 2015. Collection method: clinical testing. Allele origin: germline.